The following is an entry in ClinVar:

ClinVar aggregate classification (germline): Uncertain significance (1 of 4 stars; one submission).

Submission:

Ambry Genetics
Classification: Uncertain significance. Last evaluated: 2025-06-30. Review status: criteria provided, single submitter. Criteria: Ambry Variant Classification Scheme 2023. Collection method: clinical testing. Allele origin: germline.
Comment: The p.V877L variant (also known as c.2629G>T), located in coding exon 11 of the WNK2 gene, results from a G to T substitution at nucleotide position 2629. The valine at codon 877 is replaced by leucine, an amino acid with highly similar properties. This amino acid position is conserved. In addition, this alteration is predicted to be tolerated by in silico analysis. Based on the available evidence, the clinical significance of this variant remains unclear.

NM_006648.4(WNK2):c.2629G>T (p.Val877Leu)

Gene: WNK2 (WNK lysine deficient protein kinase 2; plus strand). Cytogenetic location: 9q22.31.
Variant type: single nucleotide variant.
Coding change: c.2629G>T on transcript NM_006648.4 (MANE Select); coding-DNA position 2629, G replaced by T.
Protein change: p.Val877Leu; replaces valine 877 with leucine.
Molecular consequence: missense variant.
Genome position (GRCh38, 1-based): chr9:93,259,177, G>T. VCF-style: chr9-93259177-G-T. GRCh37 (hg19) VCF-style: chr9-96021459-G-T.
Other names: c.2629G>T, p.Val877Leu (NM_001282394.3); short protein forms V877L.
Identifiers: ClinVar variation 4201579 (VCV004201579.1).